The following is an entry in ClinVar:

ClinVar aggregate classification (germline): Conflicting classifications of pathogenicity. Review status: criteria provided, conflicting classifications (1 of 4 stars). 4 submissions from 4 submitters: Likely pathogenic (2); Uncertain significance (2). Last evaluated 2026-01-27.

Conditions:
Galactosylceramide beta-galactosidase deficiency. Also called: Krabbe Disease; Leukodystrophy, Globoid Cell; GALACTOCEREBROSIDASE DEFICIENCY; GALC DEFICIENCY; GLOBOID CELL LEUKOENCEPHALOPATHY. Identifiers: Orphanet 487, MedGen C0023521, MONDO:0009499, OMIM 245200.

Allele frequency attached by ClinVar (database versions not stated): gnomAD exomes 0.00001; ExAC 0.00002.
gnomAD v4.1: 8 of 1,613,272 alleles (0.0005%); highest among the groups gnomAD compares: Non-Finnish European, 0.00059%; no homozygotes.

Submissions (4):

Labcorp Genetics (formerly Invitae), Labcorp
Classification: Likely pathogenic for Galactosylceramide beta-galactosidase deficiency. Last evaluated: 2026-01-27. Review status: criteria provided, single submitter. Criteria: Invitae Variant Classification Sherloc (09022015). Collection method: clinical testing. Allele origin: germline.
Comment: This sequence change replaces valine, which is neutral and non-polar, with alanine, which is neutral and non-polar, at codon 681 of the GALC protein (p.Val681Ala). This variant is present in population databases (rs768745262, gnomAD 0.006%). This variant has not been reported in the literature in individuals affected with GALC-related conditions. ClinVar contains an entry for this variant (Variation ID: 2163543). Invitae Evidence Modeling of protein sequence and biophysical properties (such as structural, functional, and spatial information, amino acid conservation, physicochemical variation, residue mobility, and thermodynamic stability) indicates that this missense variant is expected to disrupt GALC protein function with a positive predictive value of 95%. This variant disrupts the p.Val681 amino acid residue in GALC. Other variant(s) that disrupt this residue have been determined to be pathogenic (PMID: 23462331, 31885218). This suggests that this residue is clinically significant, and that variants that disrupt this residue are likely to be disease-causing. In summary, the currently available evidence indicates that the variant is pathogenic, but additional data are needed to prove that conclusively. Therefore, this variant has been classified as Likely Pathogenic.

Women's Health and Genetics/Laboratory Corporation of America, LabCorp
Classification: Uncertain significance. Last evaluated: 2026-01-26. Review status: criteria provided, single submitter. Criteria: LabCorp Variant Classification Summary - May 2015. Collection method: clinical testing. Allele origin: germline.
Comment: Variant summary: GALC c.2042T>C (p.Val681Ala) results in a non-conservative amino acid change in the encoded protein sequence. Algorithms developed to predict the effect of missense changes on protein structure and function all suggest that this variant is likely to be disruptive. The variant allele was found at a frequency of 1.6e-05 in 248930 control chromosomes. The available data on variant occurrences in the general population are insufficient to allow any conclusion about variant significance. To our knowledge, no occurrence of c.2042T>C in individuals affected with GALC-related conditions and no experimental evidence demonstrating its impact on protein function have been reported. A different variant affecting the same codon has been classified as likely pathogenic by our lab (c.2041G>A, p.Val681Met), supporting the critical relevance of codon 681 to GALC protein function. ClinVar contains an entry for this variant (Variation ID: 2163543). Based on the evidence outlined above, the variant was classified as uncertain significance.

First Genomix Gene Laboratory, Genetic Diagnostics Department
Classification: Likely pathogenic for Galactosylceramide beta-galactosidase deficiency. Last evaluated: 2025-09-03. Review status: criteria provided, single submitter. Criteria: ACMG Guidelines, 2015. Collection method: clinical testing. Allele origin: germline. Inheritance: Autosomal recessive inheritance. Affected: no. Observed: 1 variant allele.

Blueprint Genetics
Classification: Uncertain significance. Last evaluated: 2021-01-22. Review status: criteria provided, single submitter. Criteria: ACMG Guidelines, 2015. Collection method: clinical testing. Allele origin: germline.

Literature cited by the submitters: PubMed 23462331 (cited by Labcorp Genetics (formerly Invitae), Labcorp); PubMed 31885218 (cited by Labcorp Genetics (formerly Invitae), Labcorp).

NM_000153.4(GALC):c.2042T>C (p.Val681Ala)

Gene: GALC (galactosylceramidase; minus strand). Cytogenetic location: 14q31.3.
Variant type: single nucleotide variant.
Coding change: c.2042T>C on transcript NM_000153.4 (MANE Select); coding-DNA position 2042, T replaced by C.
Protein change: p.Val681Ala; replaces valine 681 with alanine.
Molecular consequence: missense variant.
Genome position (GRCh38, 1-based): chr14:87,934,748, A>G on the plus strand (T>C on the coding strand, the complement: GALC is on the minus strand). VCF-style: chr14-87934748-A-G. GRCh37 (hg19) VCF-style: chr14-88401092-A-G.
Other names: c.1973T>C, p.Val658Ala (NM_001201401.2); c.1964T>C, p.Val655Ala (NM_001201402.2); short protein forms V655A, V658A, V681A.
Identifiers: ClinVar variation 2163543 (VCV002163543.6), dbSNP rs768745262, ClinGen allele CA7296827.